The following is an entry in ClinVar:

NM_001379500.1(COL18A1):c.3544_3554del (p.Ile1182fs)

Genes: COL18A1 (collagen type XVIII alpha 1 chain; plus strand), SLC19A1 (solute carrier family 19 member 1; minus strand). Cytogenetic location: 21q22.3.
Variant type: Deletion.
Coding change: c.3544_3554del on transcript NM_001379500.1 (MANE Select); coding-DNA positions 3544 to 3554, 11 bases deleted (ATCCGCGGGGC).
Protein change: p.Ile1182fs; shifts the reading frame from isoleucine 1182.
Molecular consequence: frameshift variant.
Genome position (GRCh38, 1-based): chr21:45,510,112-45,510,122, ATCCGCGGGGC deleted; deleting any 11 consecutive bases within chr21:45,510,105-45,510,122 gives the same sequence; the c. name uses the placement nearest the transcript's 3' end. VCF-style (leftmost placement, unchanged base first): chr21-45510104-TGCGGGGCATCC-T. GRCh37 (hg19) VCF-style: chr21-46930018-TGCGGGGCATCC-T.
Other names: c.4075_4085del, p.Ile1359fs (NM_030582.4); c.4780_4790del, p.Ile1594fs (NM_130444.3); short protein forms I1594fs, I1182fs, I1359fs.
Identifiers: ClinVar variation 2893121 (VCV002893121.4), dbSNP rs1160505542, ClinGen allele CA513168481.

ClinVar aggregate classification (germline): Pathogenic/Likely pathogenic. Review status: criteria provided, multiple submitters, no conflicts (2 of 4 stars). 2 submissions from 2 submitters: Pathogenic (1); Likely pathogenic (1). Last evaluated 2024-02-17.

Conditions:
COL18A1-related disorder. Also called: COL18A1-related condition; COL18A1-related disorders.

Submissions (2):

Labcorp Genetics (formerly Invitae), Labcorp
Classification: Pathogenic. Last evaluated: 2024-02-17. Review status: criteria provided, single submitter. Criteria: Invitae Variant Classification Sherloc (09022015). Collection method: clinical testing. Allele origin: germline.
Comment: This sequence change creates a premature translational stop signal (p.Ile1179Argfs*62) in the COL18A1 gene. It is expected to result in an absent or disrupted protein product. Loss-of-function variants in COL18A1 are known to be pathogenic (PMID: 12415512, 25456301). This variant is present in population databases (no rsID available, gnomAD 0.001%). This variant has not been reported in the literature in individuals affected with COL18A1-related conditions. For these reasons, this variant has been classified as Pathogenic.

Blueprint Genetics
Classification: Likely pathogenic for COL18A1-related disorders. Last evaluated: 2022-07-06. Review status: criteria provided, single submitter. Criteria: ACMG Guidelines, 2015. Collection method: clinical testing. Allele origin: germline. Affected: yes. Observed: 3 variant alleles.

Literature cited by the submitters: PubMed 12415512 (cited by Labcorp Genetics (formerly Invitae), Labcorp); PubMed 25456301 (cited by Labcorp Genetics (formerly Invitae), Labcorp).